The following is an entry in ClinVar:

ClinVar aggregate classification (germline): Benign/Likely benign. Review status: criteria provided, multiple submitters, no conflicts (2 of 4 stars). 8 submissions from 8 submitters: Benign (5); Likely benign (2). 1 of the submissions does not count toward it. Last evaluated 2026-01-16.

Conditions:
Cardiovascular phenotype. Identifiers: MedGen CN230736.
Brugada syndrome. Also called: Sudden unexplained nocturnal death syndrome; Sudden Unexplained Death Syndrome; Sudden Unexplained Nocturnal Death Syndrome (SUNDS); Sudden unexpected nocturnal death syndrome. Identifiers: Orphanet 130, MedGen C1142166, MONDO:0015263.
CACNA2D1-related disorder. Also called: CACNA2D1-related condition.

Allele frequency attached by ClinVar (database versions not stated): ESP Exome Variant Server 0.00008; gnomAD 0.00044 and 0.00053; TOPMed 0.00070; ExAC 0.00116; gnomAD exomes 0.00117; 1000 Genomes Project 0.00180; 1000 Genomes Project 30x 0.00219.
gnomAD v4.1: 557 of 1,603,318 alleles (0.035%); highest among the groups gnomAD compares: East Asian, 1%; 5 homozygotes.

Submissions (8):

Labcorp Genetics (formerly Invitae), Labcorp
Classification: Benign for Brugada syndrome. Last evaluated: 2026-01-16. Review status: criteria provided, single submitter. Criteria: Invitae Variant Classification Sherloc (09022015). Collection method: clinical testing. Allele origin: germline.

Blueprint Genetics
Classification: Likely benign. Last evaluated: 2024-11-21. Review status: criteria provided, single submitter. Criteria: ACMG Guidelines, 2015. Collection method: clinical testing. Allele origin: germline.

Mayo Clinic Laboratories, Mayo Clinic
Classification: Benign. Last evaluated: 2024-10-30. Review status: criteria provided, single submitter. Criteria: ACMG Guidelines, 2015. Collection method: clinical testing. Allele origin: germline. Observed: 1 variant allele.
Comment: BS1, BS2, BP4, BP7

CeGaT Center for Human Genetics Tuebingen
Classification: Likely benign. Last evaluated: 2023-05-01. Review status: criteria provided, single submitter. Criteria: CeGaT Center For Human Genetics Tuebingen Variant Classification Criteria Version 2. Collection method: clinical testing. Allele origin: germline. Affected: yes. Observed: 1 variant allele.
Comment: CACNA2D1: BP4, BP7, BS1

GeneDx
Classification: Benign. Last evaluated: 2017-07-31. Review status: criteria provided, single submitter. Criteria: GeneDx Variant Classification (06012015). Collection method: clinical testing. Allele origin: germline. Affected: yes.
Comment: This variant is considered likely benign or benign based on one or more of the following criteria: it is a conservative change, it occurs at a poorly conserved position in the protein, it is predicted to be benign by multiple in silico algorithms, and/or has population frequency not consistent with disease.

Ambry Genetics
Classification: Benign for Cardiovascular phenotype. Last evaluated: 2016-05-19. Review status: criteria provided, single submitter. Criteria: Ambry Variant Classification Scheme 2023. Collection method: clinical testing. Allele origin: germline.

Breakthrough Genomics
Classification: Benign. Review status: criteria provided, single submitter. Criteria: ACMG Guidelines, 2015. Collection method: not provided. Allele origin: germline. Inheritance: Autosomal recessive inheritance. Affected: yes.

PreventionGenetics, part of Exact Sciences
Classification: Benign for CACNA2D1-related condition. Last evaluated: 2019-08-09. Review status: no assertion criteria provided. Collection method: clinical testing. Allele origin: germline. Not counted in ClinVar's aggregate classification.
Comment: This variant is classified as benign based on ACMG/AMP sequence variant interpretation guidelines (Richards et al. 2015 PMID: 25741868, with internal and published modifications).

NM_000722.4(CACNA2D1):c.2502C>T (p.Asp834=)

Gene: CACNA2D1 (calcium voltage-gated channel auxiliary subunit alpha2delta 1; minus strand). Cytogenetic location: 7q21.11.
Variant type: single nucleotide variant.
Coding change: c.2502C>T on transcript NM_000722.4 (MANE Select); coding-DNA position 2502, C replaced by T.
Protein change: p.Asp834=; no amino-acid change (aspartic acid 834 retained).
Molecular consequence: synonymous variant.
Genome position (GRCh38, 1-based): chr7:81,967,169, G>A on the plus strand (C>T on the coding strand, the complement: CACNA2D1 is on the minus strand). VCF-style: chr7-81967169-G-A. GRCh37 (hg19) VCF-style: chr7-81596485-G-A.
Other names: p.Asp834=; c.2502C>T (LRG_437t1); c.2538C>T, p.Asp846= (NM_001366867.1).
Identifiers: ClinVar variation 509592 (VCV000509592.43), dbSNP rs142390338, ClinGen allele CA4317603.
Genomic context (GRCh38, chr7:81,967,169, plus strand): 5'-TTAGCAAGAGTAACACAAGGAAATATTGTACTCAAAAGTGATTTTAAATAGTTTTCTTAC[G>A]TCACTGTTTCTTTTGCAGTCACAAACTGGACCAGCACACTGAAAGACAAAAATGCGATTA-3'
Protein context (NP_000713.2, residues 824-844): GPVCDCKRNS[Asp834=]VMDCVILDDG